The following is an entry in ClinVar:

NM_017757.3(ZNF407):c.6258T>C (p.Phe2086=)

Gene: ZNF407 (zinc finger protein 407; plus strand). Cytogenetic location: 18q22.3.
Variant type: single nucleotide variant.
Coding change: c.6258T>C on transcript NM_017757.3 (MANE Select); coding-DNA position 6258, T replaced by C.
Protein change: p.Phe2086=; no amino-acid change (phenylalanine 2086 retained).
Molecular consequence: synonymous variant.
Genome position (GRCh38, 1-based): chr18:75,063,979, T>C. VCF-style: chr18-75063979-T-C. GRCh37 (hg19) VCF-style: chr18-72775935-T-C.
Other names: c.6258T>C, p.Phe2086= (NM_001384475.1).
Identifiers: ClinVar variation 3053261 (VCV003053261.2), dbSNP rs2512069264, ClinGen allele CA504574542.
Genomic context (GRCh38, chr18:75,063,979, plus strand): 5'-GGCCTCTCAGGAGCGGGCACAGGTGGCCTTCAAGAAGATGGTCCAGGGCGTCCTCCAGTT[T>C]GCTGTGTGTGACACGGCCGCGGCCGGCCAGTTGGTCAAGGACGGTGTCACCCAGGTGGTG-3'
Protein context (NP_060227.2, residues 2076-2096): FKKMVQGVLQ[Phe2086=]AVCDTAAAGQ

ClinVar aggregate classification (germline): Likely benign (0 of 4 stars; one submission).

Conditions:
ZNF407-related disorder. Also called: ZNF407-related condition.

Allele frequency attached by ClinVar (database versions not stated): gnomAD exomes below 0.00001.
gnomAD v4.1: 1 of 1,613,358 alleles (0.000062%); highest among the groups gnomAD compares: Middle Eastern, 0.017%; no homozygotes.

Submission:

PreventionGenetics, part of Exact Sciences
Classification: Likely benign for ZNF407-related condition. Last evaluated: 2019-09-05. Review status: no assertion criteria provided. Collection method: clinical testing. Allele origin: germline.
Comment: This variant is classified as likely benign based on ACMG/AMP sequence variant interpretation guidelines (Richards et al. 2015 PMID: 25741868, with internal and published modifications).